The following is an entry in ClinVar:

ClinVar aggregate classification (germline): Uncertain significance (1 of 4 stars; one submission).

Submission:

Labcorp Genetics (formerly Invitae), Labcorp
Classification: Uncertain significance. Last evaluated: 2025-06-02. Review status: criteria provided, single submitter. Criteria: Invitae Variant Classification Sherloc (09022015). Collection method: clinical testing. Allele origin: germline.
Comment: This sequence change replaces arginine, which is basic and polar, with histidine, which is basic and polar, at codon 340 of the A4GALT protein (p.Arg340His). Information on the frequency of this variant in the gnomAD database is not available, as this variant may be reported differently in the database. This variant has not been reported in the literature in individuals affected with A4GALT-related conditions. ClinVar contains an entry for this variant (Variation ID: 3654423). An algorithm developed to predict the effect of missense changes on protein structure and function (PolyPhen-2) suggests that this variant is likely to be tolerated. In summary, the available evidence is currently insufficient to determine the role of this variant in disease. Therefore, it has been classified as a Variant of Uncertain Significance.

NM_017436.7(A4GALT):c.1019_1020delinsAT (p.Arg340His)

Gene: A4GALT (alpha 1,4-galactosyltransferase (P1PK blood group); minus strand). Cytogenetic location: 22q13.2.
Variant type: Indel.
Coding change: c.1019_1020delinsAT on transcript NM_017436.7 (MANE Select); coding-DNA positions 1019 to 1020, GC replaced by AT.
Protein change: p.Arg340His; replaces arginine 340 with histidine.
Molecular consequence: missense variant.
Genome position (GRCh38, 1-based): chr22:42,692,932-42,692,933, GC replaced by AT on the plus strand (GC replaced by AT on the coding strand, the reverse complement: A4GALT is on the minus strand). VCF-style: chr22-42692932-GC-AT. GRCh37 (hg19) VCF-style: chr22-43088938-GC-AT.
Other names: c.1019_1020delinsAT, p.Arg340His (NM_001318038.3); short protein forms R340H.
Identifiers: ClinVar variation 3654423 (VCV003654423.2).